The following is an entry in ClinVar:

NM_022788.5(P2RY12):c.673G>T (p.Gly225Cys)

Genes: MED12L (mediator complex subunit 12L; plus strand), P2RY12 (purinergic receptor P2Y12; minus strand). Cytogenetic location: 3q25.1.
Variant type: single nucleotide variant.
Coding change: c.673G>T on transcript NM_022788.5 (MANE Select); coding-DNA position 673, G replaced by T.
Protein change: p.Gly225Cys; replaces glycine 225 with cysteine.
Molecular consequence: missense variant. On other transcripts: intron variant (2).
Genome position (GRCh38, 1-based): chr3:151,338,173, C>A on the plus strand (G>T on the coding strand, the complement: P2RY12 is on the minus strand). VCF-style: chr3-151338173-C-A. GRCh37 (hg19) VCF-style: chr3-151055961-C-A.
Other names: c.673G>T, p.Gly225Cys (NM_176876.3); c.2251-11886C>A (NM_001393769.1); c.2146-11886C>A (NM_053002.6); short protein forms G225C.
Identifiers: ClinVar variation 1957865 (VCV001957865.5), dbSNP rs767970539, ClinGen allele CA2667819.

ClinVar aggregate classification (germline): Uncertain significance (1 of 4 stars; one submission).

Allele frequency attached by ClinVar (database versions not stated): TOPMed below 0.00001; gnomAD 0.00001; gnomAD exomes 0.00001; ExAC 0.00002.
gnomAD v4.1: 5 of 1,613,790 alleles (0.00031%); highest among the groups gnomAD compares: Admixed American, 0.0083%; no homozygotes.

Submission:

Labcorp Genetics (formerly Invitae), Labcorp
Classification: Uncertain significance. Last evaluated: 2022-06-27. Review status: criteria provided, single submitter. Criteria: Invitae Variant Classification Sherloc (09022015). Collection method: clinical testing. Allele origin: germline.
Comment: In summary, the available evidence is currently insufficient to determine the role of this variant in disease. Therefore, it has been classified as a Variant of Uncertain Significance. Algorithms developed to predict the effect of missense changes on protein structure and function (SIFT, PolyPhen-2, Align-GVGD) all suggest that this variant is likely to be tolerated. This variant has not been reported in the literature in individuals affected with P2RY12-related conditions. This variant is present in population databases (rs767970539, gnomAD 0.01%). This sequence change replaces glycine, which is neutral and non-polar, with cysteine, which is neutral and slightly polar, at codon 225 of the P2RY12 protein (p.Gly225Cys).